The following is an entry in ClinVar:

NM_001367873.1(SOX6):c.463A>G (p.Lys155Glu)

Gene: SOX6 (SRY-box transcription factor 6; minus strand). Cytogenetic location: 11p15.2.
Variant type: single nucleotide variant.
Coding change: c.463A>G on transcript NM_001367873.1 (MANE Select); coding-DNA position 463, A replaced by G.
Protein change: p.Lys155Glu; replaces lysine 155 with glutamic acid.
Molecular consequence: missense variant.
Genome position (GRCh38, 1-based): chr11:16,234,654, T>C on the plus strand (A>G on the coding strand, the complement: SOX6 is on the minus strand). VCF-style: chr11-16234654-T-C. GRCh37 (hg19) VCF-style: chr11-16256200-T-C.
Other names: c.463A>G, p.Lys155Glu (NM_001145811.2, NM_001145819.2, NM_001367872.1 and 2 more transcripts); short protein forms K155E.
Identifiers: ClinVar variation 2641638 (VCV002641638.24), dbSNP rs774284517, ClinGen allele CA5898411.
Genomic context (GRCh38, chr11:16,234,654, plus strand): 5'-CAAGAAGTTCACTGGTATTTAGTCTTTCCATTTTTTCCTTCCAATCTTTTGAAAGTAGTT[T>C]TTCCATGCAGGAGGAATCTATTAAAATACAAAAGTAAGTATTAAAAATATATATTTATTA-3'
Protein context (NP_001354802.1, residues 145-165): TEQEDSSCME[Lys155Glu]LLSKDWKEKM

ClinVar aggregate classification (germline): Uncertain significance (1 of 4 stars; one submission).

Allele frequency attached by ClinVar (database versions not stated): gnomAD exomes 0.00001; TOPMed 0.00002; ExAC 0.00001; gnomAD 0.00003.
gnomAD v4.1: 23 of 1,587,738 alleles (0.0014%); highest among the groups gnomAD compares: Non-Finnish European, 0.002%; no homozygotes.

Submission:

CeGaT Center for Human Genetics Tuebingen
Classification: Uncertain significance. Last evaluated: 2022-08-01. Review status: criteria provided, single submitter. Criteria: CeGaT Center For Human Genetics Tuebingen Variant Classification Criteria Version 2. Collection method: clinical testing. Allele origin: germline. Affected: yes. Observed: 1 variant allele.
Comment: SOX6: PP3